The following is an entry in ClinVar:

ClinVar aggregate classification (germline): Uncertain significance. Review status: criteria provided, multiple submitters, no conflicts (2 of 4 stars). 5 submissions from 5 submitters: Uncertain significance (4). 1 of the submissions does not count toward it. Last evaluated 2025-08-20.

Conditions:
Hereditary cancer-predisposing syndrome. Also called: Neoplastic Syndromes, Hereditary; Tumor predisposition; Hereditary Cancer Syndrome; Hereditary neoplastic syndrome. Identifiers: Orphanet 140162, MedGen C0027672, MeSH D009386, MONDO:0015356.
Hereditary nonpolyposis colorectal neoplasms. Identifiers: MedGen C0009405, MeSH D003123.
Lynch syndrome. Identifiers: Orphanet 144, MedGen C4552100, MONDO:0005835. Disease mechanism: loss of function.

Allele frequency attached by ClinVar (database versions not stated): TOPMed below 0.00001; gnomAD 0.00001.
gnomAD v4.1: 17 of 1,612,604 alleles (0.0011%); highest among the groups gnomAD compares: African/African-American, 0.0027%; no homozygotes.

Submissions (5):

Ambry Genetics
Classification: Uncertain significance for Hereditary cancer-predisposing syndrome. Last evaluated: 2025-08-20. Review status: criteria provided, single submitter. Criteria: Ambry Variant Classification Scheme 2023. Collection method: clinical testing. Allele origin: germline.
Comment: The p.A1147V variant (also known as c.3440C>T), located in coding exon 6 of the MSH6 gene, results from a C to T substitution at nucleotide position 3440. The alanine at codon 1147 is replaced by valine, an amino acid with similar properties. This amino acid position is well conserved in available vertebrate species. In addition, the in silico prediction for this alteration is inconclusive. Since supporting evidence is limited at this time, the clinical significance of this alteration remains unclear.

Labcorp Genetics (formerly Invitae), Labcorp
Classification: Uncertain significance for Hereditary nonpolyposis colorectal neoplasms. Last evaluated: 2025-04-22. Review status: criteria provided, single submitter. Criteria: Invitae Variant Classification Sherloc (09022015). Collection method: clinical testing. Allele origin: germline.
Comment: This sequence change replaces alanine, which is neutral and non-polar, with valine, which is neutral and non-polar, at codon 1147 of the MSH6 protein (p.Ala1147Val). This variant is not present in population databases (gnomAD no frequency). This variant has not been reported in the literature in individuals affected with MSH6-related conditions. ClinVar contains an entry for this variant (Variation ID: 232760). An algorithm developed to predict the effect of missense changes on protein structure and function (PolyPhen-2) suggests that this variant is likely to be tolerated. In summary, the available evidence is currently insufficient to determine the role of this variant in disease. Therefore, it has been classified as a Variant of Uncertain Significance.

All of Us Research Program, National Institutes of Health
Classification: Uncertain significance for Lynch syndrome. Last evaluated: 2024-08-13. Review status: criteria provided, single submitter. Criteria: ACMG Guidelines, 2015. Collection method: clinical testing. Allele origin: germline. Inheritance: Autosomal dominant inheritance. Observed: 1 variant allele, 1 heterozygote.
Comment: This missense variant replaces alanine with valine at codon 1147 of the MSH6 protein. Computational prediction suggests that this variant may not impact protein structure and function (internally defined REVEL score threshold <= 0.5, PMID: 27666373). To our knowledge, functional studies have not been reported for this variant. This variant has not been reported in individuals affected with MSH6-related disorders in the literature. This variant has not been identified in the general population by the Genome Aggregation Database (gnomAD). The available evidence is insufficient to determine the role of this variant in disease conclusively. Therefore, this variant is classified as a Variant of Uncertain Significance.

This study involves interpretation of variants in research participants for the purpose of population health screening. Participant phenotype was not available at the time of variant classification. Additional details can be found in publication PMID: 35346344, PMCID: PMC8962531

Color Diagnostics, LLC DBA Color Health
Classification: Uncertain significance for Hereditary cancer-predisposing syndrome. Last evaluated: 2024-07-24. Review status: criteria provided, single submitter. Criteria: ACMG Guidelines, 2015. Collection method: clinical testing. Allele origin: germline.
Comment: This missense variant replaces alanine with valine at codon 1147 of the MSH6 protein. Computational prediction suggests that this variant may not impact protein structure and function (internally defined REVEL score threshold <= 0.5, PMID: 27666373). To our knowledge, functional studies have not been reported for this variant. This variant has not been reported in individuals affected with MSH6-related disorders in the literature. This variant has not been identified in the general population by the Genome Aggregation Database (gnomAD). The available evidence is insufficient to determine the role of this variant in disease conclusively. Therefore, this variant is classified as a Variant of Uncertain Significance.

Department of Pathology and Laboratory Medicine, Sinai Health System
Classification: Uncertain significance. Review status: no assertion criteria provided. Collection method: clinical testing. Allele origin: unknown. Affected: yes. Study: The Canadian Open Genetics Repository (COGR). Not counted in ClinVar's aggregate classification.
Comment: The MSH6 p.Ala1147Val variant was not identified in the literature nor was it identified in the UMD-LSDB, Mismatch Repair Genes Variant Database, or Insight Hereditary Tumors Database. The variant was identified in dbSNP (ID: rs876659975) â€šÃ„ÃºWith Uncertain significance alleleâ€šÃ„Ã¹ and ClinVar (classified uncertain significance by Ambry Genetics, Invitae and Color). The variant was not identified in the following control databases: the 1000 Genomes Project, the NHLBI GO Exome Sequencing Project, the Exome Aggregation Consortium (August 8th 2016), or the Genome Aggregation Database (Feb 27, 2017). The p.Ala1147 residue is conserved in mammals but not in more distantly related organisms however four out of five computational analyses (PolyPhen-2, SIFT, AlignGVGD, BLOSUM, MutationTaster) do not suggest a high likelihood of impact to the protein; this information is not predictive enough to rule out pathogenicity. The p.Ala1147Val variant occurs in the last three bases of the exon. This position has been shown to be part of the splicing consensus sequence and variants in these positions sometimes affect splicing. In addition, 3 of 4 in silico or computational prediction software programs (SpliceSiteFinder, MaxEntScan, NNSPLICE, GeneSplicer) predict a greater than 10% difference in splicing. In summary, based on the above information, the clinical significance of this variant cannot be determined with certainty at this time. This variant is classified as a variant of uncertain significance.

NM_000179.3(MSH6):c.3440C>T (p.Ala1147Val)

Gene: MSH6 (mutS homolog 6; plus strand). Cytogenetic location: 2p16.3.
Variant type: single nucleotide variant.
Coding change: c.3440C>T on transcript NM_000179.3 (MANE Select); coding-DNA position 3440, C replaced by T.
Protein change: p.Ala1147Val; replaces alanine 1147 with valine.
Molecular consequence: missense variant.
Genome position (GRCh38, 1-based): chr2:47,804,911, C>T. VCF-style: chr2-47804911-C-T. GRCh37 (hg19) VCF-style: chr2-48032050-C-T.
Other names: c.3050C>T, p.Ala1017Val (NM_001281492.2); c.2534C>T, p.Ala845Val (NM_001281493.2, NM_001281494.2); short protein forms A1147V, A1017V, A845V.
Identifiers: ClinVar variation 232760 (VCV000232760.19), dbSNP rs876659975, ClinGen allele CA10578143.
Genomic context (GRCh38, chr2:47,804,911, plus strand): 5'-AAAAGTTTATGAAACTGTTACTACCAGTCATAAAAGACCTTTTCCTCCCTCATTCACAGG[C>T]TGGCTTATTAGCTGTAATGGCCCAGATGGGTTGTTACGTCCCTGCTGAAGTGTGCAGGCT-3'
Protein context (NP_000170.1, residues 1137-1157): MGGKSTLMRQ[Ala1147Val]GLLAVMAQMG